The following is an entry in ClinVar:

NM_001174089.2(SLC4A11):c.1282+1G>A

Gene: SLC4A11 (solute carrier family 4 member 11; minus strand). Cytogenetic location: 20p13.
Variant type: single nucleotide variant.
Coding change: c.1282+1G>A on transcript NM_001174089.2 (MANE Select); the canonical splice donor site of the intron after coding-DNA position 1282, G replaced by A.
Molecular consequence: splice donor variant. On other transcripts: intron variant (2).
Genome position (GRCh38, 1-based): chr20:3,230,731, C>T on the plus strand (G>A on the coding strand, the complement: SLC4A11 is on the minus strand). VCF-style: chr20-3230731-C-T. GRCh37 (hg19) VCF-style: chr20-3211377-C-T.
Other names: c.1225+1G>A (NM_001400277.1, NM_001400278.1, NM_001400279.1); c.1169-84G>A (NM_001363745.2); c.1298-84G>A (NM_001400280.1); c.1411+1G>A (NM_001174090.2); c.1330+1G>A (NM_032034.4).
Identifiers: ClinVar variation 1453845 (VCV001453845.9), dbSNP rs776659347, ClinGen allele CA9741930.

ClinVar aggregate classification (germline): Pathogenic/Likely pathogenic. Review status: criteria provided, multiple submitters, no conflicts (2 of 4 stars). 4 submissions from 4 submitters: Pathogenic (1); Likely pathogenic (3). Last evaluated 2026-01-13.

Conditions:
Congenital hereditary endothelial dystrophy of cornea. Also called: Corneal endothelial dystrophy, autosomal recessive; Congenital hereditary endothelial dystrophy type II; Congenital hereditary endothelial dystrophy of the cornea; Maumenee corneal dystrophy; CORNEAL DYSTROPHY, CONGENITAL HEREDITARY ENDOTHELIAL. Identifiers: Orphanet 293603, MedGen C1857569, MONDO:0009019, OMIM 217700.
Corneal dystrophy-perceptive deafness syndrome (CDPD). Also called: CORNEAL DYSTROPHY AND SENSORINEURAL DEAFNESS; HARBOYAN SYNDROME. Identifiers: Orphanet 1490, MedGen C1857572, MONDO:0009015, OMIM 217400.
Corneal dystrophy, Fuchs endothelial, 4 (FECD4). Identifiers: Orphanet 98974, MedGen C2750450, MONDO:0013204, OMIM 613268.

Allele frequency attached by ClinVar (database versions not stated): ExAC 0.00001; gnomAD exomes 0.00001; TOPMed 0.00002; gnomAD 0.00003.
gnomAD v4.1: 8 of 1,613,138 alleles (0.0005%); highest among the groups gnomAD compares: African/African-American, 0.0027%; no homozygotes.

Submissions (4):

Natera, Inc.
Classification: Likely pathogenic for Corneal dystrophy-perceptive deafness syndrome. Last evaluated: 2026-01-13. Review status: criteria provided, single submitter. Criteria: Natera Variant Classification Schema (03/2026). Collection method: clinical testing. Allele origin: germline.
Comment: The c.1330+1G>A variant in SLC4A11 is a canonical splice donor site variant predicted to affect pre-mRNA splicing, which may result in an abnormal transcript and altered protein product. This variant is expected to result in nonsense mediated decay, truncation, or a dysfunctional protein product. This variant is rare in the general population with a frequency below the threshold expected for the associated phenotype(s). This variant has been observed in one or more individuals affected with the associated recessive disease, as either homozygous or compound heterozygous with a second variant (PMID: 31420327). Given the available evidence, this variant is classified as Likely Pathogenic.

Fulgent Genetics
Classification: Likely pathogenic for Corneal dystrophy-perceptive deafness syndrome; Congenital hereditary endothelial dystrophy of cornea; Corneal dystrophy, Fuchs endothelial, 4. Last evaluated: 2024-05-17. Review status: criteria provided, single submitter. Criteria: ACMG Guidelines, 2015. Collection method: clinical testing. Allele origin: germline.

Labcorp Genetics (formerly Invitae), Labcorp
Classification: Pathogenic. Last evaluated: 2024-02-12. Review status: criteria provided, single submitter. Criteria: Invitae Variant Classification Sherloc (09022015). Collection method: clinical testing. Allele origin: germline.
Comment: This sequence change affects a donor splice site in intron 10 of the SLC4A11 gene. It is expected to disrupt RNA splicing. Variants that disrupt the donor or acceptor splice site typically lead to a loss of protein function (PMID: 16199547), and loss-of-function variants in SLC4A11 are known to be pathogenic (PMID: 17220209, 17679935). This variant is present in population databases (rs776659347, gnomAD 0.01%). Disruption of this splice site has been observed in individual(s) with congenital hereditary endothelial dystrophy (PMID: 31420327). It has also been observed to segregate with disease in related individuals. ClinVar contains an entry for this variant (Variation ID: 1453845). Algorithms developed to predict the effect of sequence changes on RNA splicing suggest that this variant may disrupt the consensus splice site. For these reasons, this variant has been classified as Pathogenic.

Women's Health and Genetics/Laboratory Corporation of America, LabCorp
Classification: Likely pathogenic for Corneal dystrophy-perceptive deafness syndrome. Last evaluated: 2022-12-28. Review status: criteria provided, single submitter. Criteria: LabCorp Variant Classification Summary - May 2015. Collection method: clinical testing. Allele origin: germline.
Comment: Variant summary: SLC4A11 c.1330+1G>A is located in a canonical splice-site and is predicted to affect mRNA splicing resulting in a significantly altered protein due to either exon skipping, shortening, or inclusion of intronic material. Several computational tools predict a significant impact on normal splicing: One predict the variant abolishes the canonical 5' splicing donor site. However, these predictions have yet to be confirmed by functional studies. The variant allele was found at a frequency of 8e-06 in 249688 control chromosomes (gnomAD). c.1330+1G>A has been reported in the literature in an individual affected with congenital hereditary endothelial dystrophy (example: Moazzeni_2020). These data indicate that the variant may be associated with disease. To our knowledge, no experimental evidence demonstrating an impact on protein function has been reported. One clinical diagnostic laboratory has submitted clinical-significance assessments for this variant to ClinVar after 2014 and classified the variant as pathogenic. Based on the evidence outlined above, the variant was classified as likely pathogenic.

Literature cited by the submitters: PubMed 31420327 (cited by 3 submitters); PubMed 16199547 (cited by Labcorp Genetics (formerly Invitae), Labcorp); PubMed 17220209 (cited by Labcorp Genetics (formerly Invitae), Labcorp); PubMed 17679935 (cited by Labcorp Genetics (formerly Invitae), Labcorp).